The following is an entry in ClinVar:

NM_014946.4(SPAST):c.1738A>G (p.Ile580Val)

Gene: SPAST (spastin; plus strand). Cytogenetic location: 2p22.3.
Variant type: single nucleotide variant.
Coding change: c.1738A>G on transcript NM_014946.4 (MANE Select); coding-DNA position 1738, A replaced by G.
Protein change: p.Ile580Val; replaces isoleucine 580 with valine.
Molecular consequence: missense variant. On other transcripts: 3 prime UTR variant (1).
Genome position (GRCh38, 1-based): chr2:32,154,383, A>G. VCF-style: chr2-32154383-A-G. GRCh37 (hg19) VCF-style: chr2-32379452-A-G.
Other names: c.1735A>G, p.Ile579Val (NM_001363823.2); c.1639A>G, p.Ile547Val (NM_001363875.2); c.*11A>G (NM_001377959.1); c.1642A>G, p.Ile548Val (NM_199436.2); short protein forms I547V, I548V, I579V, I580V.
Identifiers: ClinVar variation 996538 (VCV000996538.28), dbSNP rs1259072587, ClinGen allele CA346505535.

ClinVar aggregate classification (germline): Likely pathogenic. Review status: criteria provided, multiple submitters, no conflicts (2 of 4 stars). 3 submissions from 3 submitters: Likely pathogenic (3). Last evaluated 2026-07-29.

Conditions:
Hereditary spastic paraplegia 4. Also called: Spastic Paraplegia 4; Familial spastic paraplegia autosomal dominant 2; Spastic paraplegia 4, autosomal dominant. Identifiers: Orphanet 100985, MedGen C1866855, MONDO:0008438, OMIM 182601.

Allele frequency attached by ClinVar (database versions not stated): TOPMed below 0.00001; gnomAD 0.00001; gnomAD exomes 0.00001.
gnomAD v4.1: 5 of 1,613,044 alleles (0.00031%); highest among the groups gnomAD compares: Non-Finnish European, 0.00042%; no homozygotes.

Submissions (3):

Institute of Human Genetics, University of Leipzig Medical Center
Classification: Likely pathogenic for Hereditary spastic paraplegia 4. Last evaluated: 2026-07-29. Review status: criteria provided, single submitter. Criteria: ACMG Guidelines, 2015. Collection method: clinical testing. Allele origin: paternal. Inheritance: Autosomal dominant inheritance. Affected: yes.
Comment: Criteria applied: PS4_SUP,PM1_SUP,PM5_STR

CeGaT Center for Human Genetics Tuebingen
Classification: Likely pathogenic. Last evaluated: 2024-02-01. Review status: criteria provided, single submitter. Criteria: CeGaT Center For Human Genetics Tuebingen Variant Classification Criteria Version 2. Collection method: clinical testing. Allele origin: germline. Affected: yes. Observed: 1 variant allele.
Comment: SPAST: PM1, PM5, PM2:Supporting, PP2

Institute of Human Genetics, University of Goettingen
Classification: Likely pathogenic for Hereditary spastic paraplegia 4. Last evaluated: 2021-02-11. Review status: criteria provided, single submitter. Criteria: ACMG Guidelines, 2015. Collection method: clinical testing. Allele origin: unknown. Inheritance: Autosomal dominant inheritance. Affected: yes.